The following is an entry in ClinVar:

NM_173660.5(DOK7):c.7G>A (p.Glu3Lys)

Gene: DOK7 (docking protein 7; plus strand). Cytogenetic location: 4p16.3.
Variant type: single nucleotide variant.
Coding change: c.7G>A on transcript NM_173660.5 (MANE Select); coding-DNA position 7, G replaced by A.
Protein change: p.Glu3Lys; replaces glutamic acid 3 with lysine.
Molecular consequence: missense variant.
Genome position (GRCh38, 1-based): chr4:3,463,382, G>A. VCF-style: chr4-3463382-G-A. GRCh37 (hg19) VCF-style: chr4-3465109-G-A.
Other names: c.7G>A, p.Glu3Lys (NM_001164673.2, NM_001301071.2, NM_001363811.2); short protein forms E3K.
Identifiers: ClinVar variation 1503930 (VCV001503930.6), dbSNP rs763233743, ClinGen allele CA2828812.
Genomic context (GRCh38, chr4:3,463,382, plus strand): 5'-GACCCTGGGCTGGGGCGCCGGGGCGAGCGCGGCGGCGCGGAACCATGACAGAAGATGACC[G>A]AGGCGGCGCTGGTGGAGGGCCAGGTCAAGCTGCGGGACGGCAAGAAGGTCGGGGCGCGTC-3'
Protein context (NP_775931.3, residues 1-13): MT[Glu3Lys]AALVEGQVKL

ClinVar aggregate classification (germline): Uncertain significance. Review status: criteria provided, multiple submitters, no conflicts (2 of 4 stars). 2 submissions from 2 submitters: Uncertain significance (2). Last evaluated 2025-11-20.

Conditions:
Fetal akinesia deformation sequence 1 (FADS1). Also called: Fetal akinesia sequence; Pena-Shokeir syndrome type I. Identifiers: Orphanet 994, MedGen C1276035, MONDO:0100101, OMIM 208150, HP:0001989.
Congenital myasthenic syndrome 10. Also called: Myasthenia, limb-girdle, familial. Identifiers: Orphanet 590, MedGen C1850792, MONDO:0009690, OMIM 254300.

Allele frequency attached by ClinVar (database versions not stated): gnomAD 0.00001; ExAC 0.00006.
gnomAD v4.1: 11 of 1,493,466 alleles (0.00074%); highest among the groups gnomAD compares: East Asian, 0.0027%; no homozygotes.

Submissions (2):

Women's Health and Genetics/Laboratory Corporation of America, LabCorp
Classification: Uncertain significance. Last evaluated: 2025-11-20. Review status: criteria provided, single submitter. Criteria: LabCorp Variant Classification Summary - May 2015. Collection method: clinical testing. Allele origin: germline.
Comment: Variant summary: DOK7 c.7G>A (p.Glu3Lys) results in a conservative amino acid change in the encoded protein sequence. Algorithms developed to predict the effect of missense changes on protein structure and function all suggest that this variant is likely to be tolerated. The variant allele was found at a frequency of 3.2e-05 in 124800 control chromosomes (gnomAD). c.7G>A has been observed in an individual(s) affected with Congenital Myasthenic Syndrome (Cossins_2012). These data do not allow any conclusion about variant significance. At least one publication reports experimental evidence evaluating an impact on protein function, finding that the variant disrupts AChR clustering (Cossins_2012). The following publication has been ascertained in the context of this evaluation (PMID: 22661499). ClinVar contains an entry for this variant (Variation ID: 1503930). Based on the evidence outlined above, the variant was classified as VUS-possibly pathogenic.

Labcorp Genetics (formerly Invitae), Labcorp
Classification: Uncertain significance for Congenital myasthenic syndrome 10; Fetal akinesia deformation sequence 1. Last evaluated: 2021-08-30. Review status: criteria provided, single submitter. Criteria: Invitae Variant Classification Sherloc (09022015). Collection method: clinical testing. Allele origin: germline.
Comment: This sequence change replaces glutamic acid with lysine at codon 3 of the DOK7 protein (p.Glu3Lys). The glutamic acid residue is weakly conserved and there is a small physicochemical difference between glutamic acid and lysine. This variant is present in population databases (rs763233743, ExAC 0.01%). This missense change has been observed in individual(s) with clinical features of congenital myasthenic syndrome (PMID: 22661499; Invitae). Algorithms developed to predict the effect of missense changes on protein structure and function (SIFT, PolyPhen-2, Align-GVGD) all suggest that this variant is likely to be tolerated. Experimental studies have shown that this missense change affects DOK7 function (PMID: 22661499). In summary, the available evidence is currently insufficient to determine the role of this variant in disease. Therefore, it has been classified as a Variant of Uncertain Significance.

Literature cited by the submitters: PubMed 22661499 (cited by Women's Health and Genetics/Laboratory Corporation of America, LabCorp and Labcorp Genetics (formerly Invitae), Labcorp).